The following is an entry in ClinVar:

ClinVar aggregate classification (germline): Uncertain significance. Review status: criteria provided, multiple submitters, no conflicts (2 of 4 stars). 2 submissions from 2 submitters: Uncertain significance (2). Last evaluated 2025-01-28.

Conditions:
Hereditary cancer-predisposing syndrome. Also called: Neoplastic Syndromes, Hereditary; Tumor predisposition; Hereditary neoplastic syndrome; Hereditary Cancer Syndrome. Identifiers: Orphanet 140162, MedGen C0027672, MeSH D009386, MONDO:0015356.

Allele frequency attached by ClinVar (database versions not stated): gnomAD exomes below 0.00001.

Submissions (2):

GeneDx
Classification: Uncertain significance. Last evaluated: 2025-01-28. Review status: criteria provided, single submitter. Criteria: GeneDx Variant Classification Process June 2021. Collection method: clinical testing. Allele origin: germline. Affected: yes.
Comment: Not observed at significant frequency in large population cohorts (gnomAD); Located in a regulatory region; in the absence of functional studies, the actual effect of this sequence change is unknown; Nucleotide is not conserved across species and the substitution has no predicted effect on splicing; Has not been previously published as pathogenic or benign to our knowledge

Ambry Genetics
Classification: Uncertain significance for Hereditary cancer-predisposing syndrome. Last evaluated: 2023-10-10. Review status: criteria provided, single submitter. Criteria: Ambry Variant Classification Scheme 2023. Collection method: clinical testing. Allele origin: germline.
Comment: The c.-2T>C variant is located in the 5' untranslated region (5&rsquo; UTR) of the MET gene. This variant results from a T to C substitution 2 bases upstream from the first translated codon. This nucleotide position is poorly conserved in available vertebrate species. Since supporting evidence is limited at this time, the clinical significance of this alteration remains unclear.

NM_000245.4(MET):c.-2T>C

Gene: MET (MET proto-oncogene, receptor tyrosine kinase; plus strand). Cytogenetic location: 7q31.2.
Variant type: single nucleotide variant.
Coding change: c.-2T>C on transcript NM_000245.4 (MANE Select); 2 bases upstream of the start codon, T replaced by C.
Molecular consequence: 5 prime UTR variant. On other transcripts: intron variant (1).
Genome position (GRCh38, 1-based): chr7:116,699,083, T>C. VCF-style: chr7-116699083-T-C. GRCh37 (hg19) VCF-style: chr7-116339137-T-C.
Other names: c.-2T>C (NM_001127500.3, NM_001324401.3); c.-91+26506T>C (NM_001324402.2).
Identifiers: ClinVar variation 3232962 (VCV003232962.2), dbSNP rs2116577569, ClinGen allele CA368968133.
Genomic context (GRCh38, chr7:116,699,083, plus strand): 5'-TTCATTTCTGACAACTGAACTGCTCTCGCCTTGAACCTGTTTTGGCAGATAAACCTCTCA[T>C]AATGAAGGCCCCCGCTGTGCTTGCACCTGGCATCCTCGTGCTCCTGTTTACCTTGGTGCA-3'